The following is an entry in ClinVar:

ClinVar aggregate classification (germline): Uncertain significance (1 of 4 stars; one submission).

Conditions:
Emery-Dreifuss muscular dystrophy 4, autosomal dominant (EDMD4). Also called: EMERY-DREIFUSS MUSCULAR DYSTROPHY 4 WITH VARIABLE FEATURES. Identifiers: Orphanet 261, MedGen C2751807, MONDO:0013071, OMIM 612998.
Autosomal recessive ataxia, Beauce type. Also called: Spinocerebellar ataxia, autosomal recessive 8; ATAXIA, RECESSIVE, OF BEAUCE; SYNE1 Deficiency; SYNE1-Related Autosomal Recessive Cerebellar Ataxia. Identifiers: Orphanet 88644, MedGen C1853116, MONDO:0012549, OMIM 610743.

Allele frequency attached by ClinVar (database versions not stated): TOPMed 0.00001.

Submission:

Labcorp Genetics (formerly Invitae), Labcorp
Classification: Uncertain significance for Emery-Dreifuss muscular dystrophy 4, autosomal dominant; Autosomal recessive ataxia, Beauce type. Last evaluated: 2021-01-16. Review status: criteria provided, single submitter. Criteria: Invitae Variant Classification Sherloc (09022015). Collection method: clinical testing. Allele origin: germline.
Comment: This sequence change replaces glycine with aspartic acid at codon 8239 of the SYNE1 protein (p.Gly8239Asp). The glycine residue is highly conserved and there is a moderate physicochemical difference between glycine and aspartic acid. This variant is not present in population databases (ExAC no frequency). This variant has not been reported in the literature in individuals with SYNE1-related conditions. Algorithms developed to predict the effect of missense changes on protein structure and function are either unavailable or do not agree on the potential impact of this missense change (SIFT: "Deleterious"; PolyPhen-2: "Benign"; Align-GVGD: "Class C0"). In summary, the available evidence is currently insufficient to determine the role of this variant in disease. Therefore, it has been classified as a Variant of Uncertain Significance.

NM_182961.4(SYNE1):c.24929G>A (p.Gly8310Asp)

Gene: SYNE1 (spectrin repeat containing nuclear envelope protein 1; minus strand). Cytogenetic location: 6q25.2.
Variant type: single nucleotide variant.
Coding change: c.24929G>A on transcript NM_182961.4 (MANE Select); coding-DNA position 24929, G replaced by A.
Protein change: p.Gly8310Asp; replaces glycine 8310 with aspartic acid.
Molecular consequence: missense variant.
Genome position (GRCh38, 1-based): chr6:152,148,092, C>T on the plus strand (G>A on the coding strand, the complement: SYNE1 is on the minus strand). VCF-style: chr6-152148092-C-T. GRCh37 (hg19) VCF-style: chr6-152469227-C-T.
Other names: c.1535G>A, p.Gly512Asp (NM_001347701.2); c.1394G>A, p.Gly465Asp (NM_001347702.2); c.24716G>A, p.Gly8239Asp (NM_033071.5); short protein forms G465D, G512D, G8239D, G8310D.
Identifiers: ClinVar variation 1509382 (VCV001509382.8), dbSNP rs1253089660, ClinGen allele CA366084919.